The following is an entry in ClinVar:

ClinVar aggregate classification (germline): Likely pathogenic (1 of 4 stars; one submission).

Conditions:
Intellectual developmental disorder, autosomal recessive 71. Also called: MENTAL RETARDATION, AUTOSOMAL RECESSIVE 71. Identifiers: MedGen C5193133, MONDO:0032789, OMIM 618504.

Allele frequency attached by ClinVar (database versions not stated): gnomAD exomes 0.00001.

Submission:

3billion
Classification: Likely pathogenic for Intellectual developmental disorder, autosomal recessive 71. Last evaluated: 2021-10-02. Review status: criteria provided, single submitter. Criteria: ACMG Guidelines, 2015. Collection method: clinical testing. Allele origin: biparental. Affected: yes. Observed: 1 homozygote.
Comment: Inframe deletion located in a nonrepeat region: predicted to change the length of the protein and disrupt normal protein function. It is observed at an extremely low frequency in the gnomAD v2.1.1 dataset (total allele frequency: 0.00000642, PM2). Patient's phenotype is considered compatible with Intellectual developmental disorder, autosomal recessive 71 (3billion dataset, PP4). Therefore, this variant is classified as likely pathogenic according to the recommendation of ACMG/AMP guideline.

NM_138775.3(ALKBH8):c.1421_1429del (p.His474_Ala477delinsPro)

Gene: ALKBH8 (alkB homolog 8, tRNA methyltransferase; minus strand). Cytogenetic location: 11q22.3.
Variant type: Deletion.
Coding change: c.1421_1429del on transcript NM_138775.3 (MANE Select); coding-DNA positions 1421 to 1429, 9 bases deleted (ATCATTTTG; older notation c.1421_1429delATCATTTTG).
Protein change: p.His474_Ala477delinsPro.
Molecular consequence: inframe indel. On other transcripts: non-coding transcript variant (4), intron variant (1).
Genome position (GRCh38, 1-based): chr11:107,510,895-107,510,903, CAAAATGAT deleted on the plus strand (ATCATTTTG on the coding strand, the reverse complement: ALKBH8 is on the minus strand). VCF-style (leftmost placement, unchanged base first): chr11-107510894-GCAAAATGAT-G. GRCh37 (hg19) VCF-style: chr11-107381620-GCAAAATGAT-G.
Other names: c.1421_1429del, p.His474_Ala477delinsPro (NM_001301010.3); c.1288-5688_1288-5680del (NM_001378133.1).
Identifiers: ClinVar variation 1320146 (VCV001320146.1), dbSNP rs1565312540, ClinGen allele CA918962119.
Genomic context (GRCh38, chr11:107,510,894, plus strand): 5'-TCTTCCTGCTGCTTTAGCTACAAGTTCTTAAGAGAAAGAAAGACCATACTTACTGCTGTT[GCAAAATGAT>G]GAATAACAGCAATGGAGATGCAGGCATCACAAGACCCACTGCGGACTGGTACTGCCAATG-3'